The following is an entry in ClinVar:

ClinVar aggregate classification (germline): Likely benign. Review status: criteria provided, multiple submitters, no conflicts (2 of 4 stars). 2 submissions from 2 submitters: Likely benign (2). Last evaluated 2026-09-02.

Conditions:
COL18A1-related disorder. Also called: COL18A1-related condition; COL18A1-related disorders.

Allele frequency attached by ClinVar (database versions not stated): gnomAD 0.00002 and 0.00003; gnomAD exomes 0.00002 and 0.00003; TOPMed 0.00002; ExAC 0.00003; 1000 Genomes Project 30x 0.00016; 1000 Genomes Project 0.00020.
gnomAD v4.1: 36 of 1,613,252 alleles (0.0022%); highest among the groups gnomAD compares: South Asian, 0.0044%; no homozygotes.

Submissions (2):

PreventionGenetics, part of Exact Sciences
Classification: Likely benign for COL18A1-related condition. Last evaluated: 2026-09-02. Review status: criteria provided, single submitter. Criteria: ACMG Guidelines, 2015. Collection method: clinical testing. Allele origin: germline.
Comment: This variant is classified as likely benign based on ACMG/AMP sequence variant interpretation guidelines (Richards et al. 2015 PMID: 25741868, with internal and published modifications).

Labcorp Genetics (formerly Invitae), Labcorp
Classification: Likely benign. Last evaluated: 2023-12-11. Review status: criteria provided, single submitter. Criteria: Invitae Variant Classification Sherloc (09022015). Collection method: clinical testing. Allele origin: germline.

NM_001379500.1(COL18A1):c.107-12409C>T

Gene: COL18A1 (collagen type XVIII alpha 1 chain; plus strand). Cytogenetic location: 21q22.3.
Variant type: single nucleotide variant.
Coding change: c.107-12409C>T on transcript NM_001379500.1 (MANE Select); 12409 bases into the intron before coding-DNA position 107, C replaced by T.
Molecular consequence: intron variant. On other transcripts: synonymous variant (2).
Genome position (GRCh38, 1-based): chr21:45,455,833, C>T. VCF-style: chr21-45455833-C-T. GRCh37 (hg19) VCF-style: chr21-46875747-C-T.
Other names: c.303C>T, p.Asp101= (NM_030582.4, NM_130444.3); c.303C>T (NM_030582.3).
Identifiers: ClinVar variation 1535501 (VCV001535501.9), dbSNP rs149777818, ClinGen allele CA10065432.